The following is an entry in ClinVar:

NM_006231.4(POLE):c.1964A>G (p.Asp655Gly)

Gene: POLE (DNA polymerase epsilon, catalytic subunit; minus strand). Cytogenetic location: 12q24.33.
Variant type: single nucleotide variant.
Coding change: c.1964A>G on transcript NM_006231.4 (MANE Select); coding-DNA position 1964, A replaced by G.
Protein change: p.Asp655Gly; replaces aspartic acid 655 with glycine.
Molecular consequence: missense variant.
Genome position (GRCh38, 1-based): chr12:132,668,697, T>C on the plus strand (A>G on the coding strand, the complement: POLE is on the minus strand). VCF-style: chr12-132668697-T-C. GRCh37 (hg19) VCF-style: chr12-133245283-T-C.
Other names: short protein forms D655G.
Identifiers: ClinVar variation 663527 (VCV000663527.8), dbSNP rs1593792751, ClinGen allele CA387355079.

ClinVar aggregate classification (germline): Uncertain significance (1 of 4 stars; one submission).

Submission:

Labcorp Genetics (formerly Invitae), Labcorp
Classification: Uncertain significance. Last evaluated: 2018-11-06. Review status: criteria provided, single submitter. Criteria: Invitae Variant Classification Sherloc (09022015). Collection method: clinical testing. Allele origin: germline.
Comment: In summary, the available evidence is currently insufficient to determine the role of this variant in disease. Therefore, it has been classified as a Variant of Uncertain Significance. Algorithms developed to predict the effect of missense changes on protein structure and function are either unavailable or do not agree on the potential impact of this missense change (SIFT: "Deleterious"; PolyPhen-2: "Probably Damaging"; Align-GVGD: "Class C0"). This variant has not been reported in the literature in individuals with POLE-related disease. This variant is not present in population databases (ExAC no frequency). This sequence change replaces aspartic acid with glycine at codon 655 of the POLE protein (p.Asp655Gly). The aspartic acid residue is highly conserved and there is a moderate physicochemical difference between aspartic acid and glycine.